The following is an entry in ClinVar:

NM_172362.3(KCNH1):c.251G>A (p.Arg84Gln)

Gene: KCNH1 (potassium voltage-gated channel subfamily H member 1; minus strand). Cytogenetic location: 1q32.2.
Variant type: single nucleotide variant.
Coding change: c.251G>A on transcript NM_172362.3 (MANE Select); coding-DNA position 251, G replaced by A.
Protein change: p.Arg84Gln; replaces arginine 84 with glutamine.
Molecular consequence: missense variant.
Genome position (GRCh38, 1-based): chr1:211,103,555, C>T on the plus strand (G>A on the coding strand, the complement: KCNH1 is on the minus strand). VCF-style: chr1-211103555-C-T. GRCh37 (hg19) VCF-style: chr1-211276897-C-T.
Other names: c.251G>A, p.Arg84Gln (NM_002238.4); short protein forms R84Q.
Identifiers: ClinVar variation 1205093 (VCV001205093.12), dbSNP rs370185149, ClinGen allele CA1380068.
Genomic context (GRCh38, chr1:211,103,555, plus strand): 5'-CTGTTCTTCTTGTACATCAGAATTTCAAAGGAATTCATCTCATAGTTCTCAAATGTTTGC[C>T]GCACTTTTTCAATCGTGTCTTTATCAGTCAGCTCCCCATACATAAAACTGCAAACAACCA-3'
Protein context (NP_758872.1, residues 74-94): LTDKDTIEKV[Arg84Gln]QTFENYEMNS

ClinVar aggregate classification (germline): Benign/Likely benign. Review status: criteria provided, multiple submitters, no conflicts (2 of 4 stars). 3 submissions from 3 submitters: Benign (1); Likely benign (2). Last evaluated 2026-01-05.

Conditions:
KCNH1-related disorder. Also called: KCNH1-related disorders; KCNH1-related condition.

Allele frequency attached by ClinVar (database versions not stated): ExAC 0.00005; gnomAD exomes 0.00005 and 0.00009; TOPMed 0.00005; ESP Exome Variant Server 0.00008; gnomAD 0.00009; 1000 Genomes Project 30x 0.00016; 1000 Genomes Project 0.00020.
gnomAD v4.1: 138 of 1,613,438 alleles (0.0086%); highest among the groups gnomAD compares: Middle Eastern, 0.017%; no homozygotes.

Submissions (3):

Labcorp Genetics (formerly Invitae), Labcorp
Classification: Benign. Last evaluated: 2026-01-05. Review status: criteria provided, single submitter. Criteria: Invitae Variant Classification Sherloc (09022015). Collection method: clinical testing. Allele origin: germline.

PreventionGenetics, part of Exact Sciences
Classification: Likely benign for KCNH1-related condition. Last evaluated: 2025-09-07. Review status: criteria provided, single submitter. Criteria: ACMG Guidelines, 2015. Collection method: clinical testing. Allele origin: germline.
Comment: This variant is classified as likely benign based on ACMG/AMP sequence variant interpretation guidelines (Richards et al. 2015 PMID: 25741868, with internal and published modifications).

GeneDx
Classification: Likely benign. Last evaluated: 2020-04-01. Review status: criteria provided, single submitter. Criteria: GeneDx Variant Classification Process June 2021. Collection method: clinical testing. Allele origin: germline. Affected: yes.